The following is an entry in ClinVar:

NM_005720.4(ARPC1B):c.61A>G (p.Thr21Ala)

Gene: ARPC1B (actin related protein 2/3 complex subunit 1B; plus strand). Cytogenetic location: 7q22.1.
Variant type: single nucleotide variant.
Coding change: c.61A>G on transcript NM_005720.4 (MANE Select); coding-DNA position 61, A replaced by G.
Protein change: p.Thr21Ala; replaces threonine 21 with alanine.
Molecular consequence: missense variant.
Genome position (GRCh38, 1-based): chr7:99,385,775, A>G. VCF-style: chr7-99385775-A-G. GRCh37 (hg19) VCF-style: chr7-98983398-A-G.
Other names: short protein forms T21A.
Identifiers: ClinVar variation 1467855 (VCV001467855.8), dbSNP rs2150892063, ClinGen allele CA368313632.

ClinVar aggregate classification (germline): Uncertain significance (1 of 4 stars; one submission).

gnomAD v4.1: 1 of 1,608,796 alleles (0.000062%); highest among the groups gnomAD compares: South Asian, 0.0011%; no homozygotes.

Submission:

Labcorp Genetics (formerly Invitae), Labcorp
Classification: Uncertain significance. Last evaluated: 2022-07-06. Review status: criteria provided, single submitter. Criteria: Invitae Variant Classification Sherloc (09022015). Collection method: clinical testing. Allele origin: germline.
Comment: ClinVar contains an entry for this variant (Variation ID: 1467855). This sequence change replaces threonine, which is neutral and polar, with alanine, which is neutral and non-polar, at codon 21 of the ARPC1B protein (p.Thr21Ala). This variant is not present in population databases (gnomAD no frequency). This variant has not been reported in the literature in individuals affected with ARPC1B-related conditions. Algorithms developed to predict the effect of missense changes on protein structure and function are either unavailable or do not agree on the potential impact of this missense change (SIFT: "Deleterious"; PolyPhen-2: "Benign"; Align-GVGD: "Class C0"). Experimental studies have shown that this missense change affects ARPC1B function (PMID: 20603326). In summary, the available evidence is currently insufficient to determine the role of this variant in disease. Therefore, it has been classified as a Variant of Uncertain Significance.

Literature cited by the submitters: PubMed 20603326.